The following is an entry in ClinVar:

NM_004991.4(MECOM):c.1654G>T (p.Gly552Trp)

Gene: MECOM (MDS1 and EVI1 complex locus; minus strand). Cytogenetic location: 3q26.2.
Variant type: single nucleotide variant.
Coding change: c.1654G>T on transcript NM_004991.4 (MANE Select); coding-DNA position 1654, G replaced by T.
Protein change: p.Gly552Trp; replaces glycine 552 with tryptophan.
Molecular consequence: missense variant. On other transcripts: intron variant (2).
Genome position (GRCh38, 1-based): chr3:169,116,218, C>A on the plus strand (G>T on the coding strand, the complement: MECOM is on the minus strand). VCF-style: chr3-169116218-C-A. GRCh37 (hg19) VCF-style: chr3-168834006-C-A.
Other names: c.1654G>T, p.Gly552Trp (NM_001366466.2); c.1093G>T, p.Gly365Trp (NM_001366467.2, NM_001366468.2, NM_001366470.2 and 1 more transcripts); c.1090G>T, p.Gly364Trp (NM_001366469.2, NM_001366471.2, NM_001366472.2 and 4 more transcripts); c.1133-451G>T (NM_001366473.2); c.569-451G>T (NM_001366474.2); c.1285G>T, p.Gly429Trp (NM_001105077.4); short protein forms G364W, G429W, G552W, G365W.
Identifiers: ClinVar variation 4105902 (VCV004105902.1).
Genomic context (GRCh38, chr3:169,116,218, plus strand): 5'-TCTCAAAGGGCCTCTCTTCAGAGGACCTCTCGGGCTGGAGCTCCACTGGCTTATTGTCCC[C>A]TACAGATGGGTGTTTAGATAGTGCCTTCAAAATATCCTGTGTAGCTGGCAGTATCTGAGG-3'
Protein context (NP_004982.2, residues 542-562): LKALSKHPSV[Gly552Trp]DNKPVELQPE

ClinVar aggregate classification (germline): Uncertain significance (1 of 4 stars; one submission).

Conditions:
Inborn genetic diseases. Identifiers: MedGen C0950123, MeSH D030342.

gnomAD v4.1: 3 of 1,614,026 alleles (0.00019%); highest among the groups gnomAD compares: Admixed American, 0.005%; no homozygotes.

Submission:

Ambry Genetics
Classification: Uncertain significance for Inborn genetic diseases. Last evaluated: 2025-08-31. Review status: criteria provided, single submitter. Criteria: Ambry Variant Classification Scheme 2023. Collection method: clinical testing. Allele origin: germline.
Comment: The p.G552W variant (also known as c.1654G>T), located in coding exon 8 of the MECOM gene, results from a G to T substitution at nucleotide position 1654. The glycine at codon 552 is replaced by tryptophan, an amino acid with highly dissimilar properties. This amino acid position is conserved. In addition, this alteration is predicted to be tolerated by in silico analysis. Based on the available evidence, the clinical significance of this variant remains unclear.